The following is an entry in ClinVar:

NC_000007.13:g.(117174420_117175301)_(117230494_117231987)del

Gene: CFTR (CF transmembrane conductance regulator; plus strand). Cytogenetic location: 7q31.2.
Variant type: Deletion.
Identifiers: ClinVar variation 4689525 (VCV004689525.1).

ClinVar aggregate classification (germline): Pathogenic (1 of 4 stars; one submission).

Conditions:
Cystic fibrosis (CF). Also called: MUCOVISCIDOSIS. Identifiers: Orphanet 586, MedGen C0010674, MONDO:0009061, OMIM 219700. Disease mechanism: loss of function.

Submission:

Women's Health and Genetics/Laboratory Corporation of America, LabCorp
Classification: Pathogenic for Cystic fibrosis. Last evaluated: 2026-01-08. Review status: criteria provided, single submitter. Criteria: LabCorp Variant Classification Summary - May 2015. Collection method: clinical testing. Allele origin: germline.
Comment: Variant summary: The variant involves the deletion of exons 6-13 in the CFTR gene. A presumed nomenclature of c.(579+1_580-1)_(1766+1_1767-1)del has been designated for the purposes of this classification. This Copy Number Variant (CNV) is expected to alter the reading frame and predicted to result in a truncation or absence of the encoded protein due to nonsense mediated decay (NMD). Loss-of-function variants in this gene are known to be pathogenic. The variant allele was found at a frequency of 0.00078 in 21674 control chromosomes. This frequency is not significantly higher than estimated for disease-causing variants in CFTR, allowing no conclusion about variant significance. A smaller deletion (Exon 6-7 deletion) within the deleted region also expected to alter the reading frame has been observed in at least one compound heterozygous individual affected with Cystic Fibrosis (e.g. Zhou_2025). To our knowledge, no experimental evidence demonstrating an impact on protein function has been reported. The following publication has been ascertained in the context of this evaluation (PMID: 40128832). No submitters have cited clinical-significance assessments for this variant to ClinVar. Based on the evidence outlined above, the variant was classified as pathogenic.

Literature cited by the submitters: PubMed 40128832.